The following is an entry in ClinVar:

NM_024598.4(USB1):c.736G>A (p.Val246Met)

Gene: USB1 (U6 snRNA biogenesis phosphodiesterase 1; plus strand). Cytogenetic location: 16q21.
Variant type: single nucleotide variant.
Coding change: c.736G>A on transcript NM_024598.4 (MANE Select); coding-DNA position 736, G replaced by A.
Protein change: p.Val246Met; replaces valine 246 with methionine.
Molecular consequence: missense variant.
Genome position (GRCh38, 1-based): chr16:58,020,183, G>A. VCF-style: chr16-58020183-G-A. GRCh37 (hg19) VCF-style: chr16-58054087-G-A.
Other names: c.682G>A, p.Val228Met (NM_001195302.2); c.583G>A, p.Val195Met (NM_001330568.2); short protein forms V228M, V246M, V195M.
Identifiers: ClinVar variation 851384 (VCV000851384.6), dbSNP rs751177454, ClinGen allele CA8085046.
Genomic context (GRCh38, chr16:58,020,183, plus strand): 5'-CCTGGCTGCTGTTTTAAGGCAATCGTGGATGGGTTTGAAGATGCTGAGGTGCTGCTGCGC[G>A]TGCACACTGAGCAAGTCCGCTGCAAGTCTGGGAACAAGTTCTTCTCGATGCCTTTGAAGT-3'
Protein context (NP_078874.2, residues 236-256): GFEDAEVLLR[Val246Met]HTEQVRCKSG

ClinVar aggregate classification (germline): Uncertain significance. Review status: criteria provided, multiple submitters, no conflicts (2 of 4 stars). 2 submissions from 2 submitters: Uncertain significance (2). Last evaluated 2024-12-16.

Conditions:
Inborn genetic diseases. Identifiers: MedGen C0950123, MeSH D030342.

Allele frequency attached by ClinVar (database versions not stated): ExAC 0.00001; TOPMed 0.00002; gnomAD exomes 0.00001; gnomAD 0.00001.
gnomAD v4.1: 20 of 1,614,060 alleles (0.0012%); highest among the groups gnomAD compares: South Asian, 0.0066%; 1 homozygote.

Submissions (2):

Ambry Genetics
Classification: Uncertain significance for Inborn genetic diseases. Last evaluated: 2024-12-16. Review status: criteria provided, single submitter. Criteria: Ambry Variant Classification Scheme 2023. Collection method: clinical testing. Allele origin: germline.
Comment: The p.V246M variant (also known as c.736G>A), located in coding exon 7 of the USB1 gene, results from a G to A substitution at nucleotide position 736. The valine at codon 246 is replaced by methionine, an amino acid with highly similar properties. This amino acid position is conserved. In addition, this alteration is predicted to be tolerated by in silico analysis. Based on the available evidence, the clinical significance of this variant remains unclear.

Labcorp Genetics (formerly Invitae), Labcorp
Classification: Uncertain significance. Last evaluated: 2021-08-13. Review status: criteria provided, single submitter. Criteria: Invitae Variant Classification Sherloc (09022015). Collection method: clinical testing. Allele origin: germline.